The following is an entry in ClinVar:

ClinVar aggregate classification (germline): Uncertain significance. Review status: criteria provided, multiple submitters, no conflicts (2 of 4 stars). 3 submissions from 3 submitters: Uncertain significance (3). Last evaluated 2025-11-27.

Conditions:
Hereditary cancer-predisposing syndrome. Also called: Neoplastic Syndromes, Hereditary; Tumor predisposition; Hereditary Cancer Syndrome; Hereditary neoplastic syndrome. Identifiers: Orphanet 140162, MedGen C0027672, MeSH D009386, MONDO:0015356.
Endometrial carcinoma. Also called: Endometrial carcinoma, somatic. Identifiers: MedGen C0476089, MONDO:0002447, OMIM 608089, HP:0012114.

Allele frequency attached by ClinVar (database versions not stated): gnomAD 0.00001; gnomAD exomes 0.00005; ExAC 0.00006.

Submissions (3):

Labcorp Genetics (formerly Invitae), Labcorp
Classification: Uncertain significance. Last evaluated: 2025-11-27. Review status: criteria provided, single submitter. Criteria: Invitae Variant Classification Sherloc (09022015). Collection method: clinical testing. Allele origin: germline.
Comment: This sequence change replaces aspartic acid, which is acidic and polar, with glycine, which is neutral and non-polar, at codon 351 of the MSH3 protein (p.Asp351Gly). This variant is present in population databases (rs555101803, gnomAD 0.03%). This variant has not been reported in the literature in individuals affected with MSH3-related conditions. ClinVar contains an entry for this variant (Variation ID: 640603). An algorithm developed to predict the effect of missense changes on protein structure and function (PolyPhen-2) suggests that this variant is likely to be tolerated. RNA analysis performed to evaluate the impact of this missense change on mRNA splicing indicates it does not significantly alter splicing (internal data). In summary, the available evidence is currently insufficient to determine the role of this variant in disease. Therefore, it has been classified as a Variant of Uncertain Significance.

Ambry Genetics
Classification: Uncertain significance for Hereditary cancer-predisposing syndrome. Last evaluated: 2024-10-08. Review status: criteria provided, single submitter. Criteria: Ambry Variant Classification Scheme 2023. Collection method: clinical testing. Allele origin: germline.
Comment: The p.D351G variant (also known as c.1052A>G), located in coding exon 7 of the MSH3 gene, results from an A to G substitution at nucleotide position 1052. The aspartic acid at codon 351 is replaced by glycine, an amino acid with similar properties. This amino acid position is well conserved in available vertebrate species. In addition, this alteration is predicted to be tolerated by in silico analysis. Since supporting evidence is limited at this time, the clinical significance of this alteration remains unclear.

Baylor Genetics
Classification: Uncertain significance for Endometrial carcinoma. Last evaluated: 2023-09-09. Review status: criteria provided, single submitter. Criteria: ACMG Guidelines, 2015. Collection method: clinical testing. Allele origin: unknown.

NM_002439.5(MSH3):c.1052A>G (p.Asp351Gly)

Gene: MSH3 (mutS homolog 3; plus strand). Cytogenetic location: 5q14.1.
Variant type: single nucleotide variant.
Coding change: c.1052A>G on transcript NM_002439.5 (MANE Select); coding-DNA position 1052, A replaced by G.
Protein change: p.Asp351Gly; replaces aspartic acid 351 with glycine.
Molecular consequence: missense variant.
Genome position (GRCh38, 1-based): chr5:80,675,007, A>G. VCF-style: chr5-80675007-A-G. GRCh37 (hg19) VCF-style: chr5-79970826-A-G.
Other names: short protein forms D351G.
Identifiers: ClinVar variation 640603 (VCV000640603.12), dbSNP rs555101803, ClinGen allele CA3327789.